The following is an entry in ClinVar:

NM_004064.5(CDKN1B):c.121T>C (p.Leu41=)

Gene: CDKN1B (cyclin dependent kinase inhibitor 1B; plus strand). Cytogenetic location: 12p13.1.
Variant type: single nucleotide variant.
Coding change: c.121T>C on transcript NM_004064.5 (MANE Select); coding-DNA position 121, T replaced by C.
Protein change: p.Leu41=; no amino-acid change (leucine 41 retained).
Molecular consequence: synonymous variant.
Genome position (GRCh38, 1-based): chr12:12,717,960, T>C. VCF-style: chr12-12717960-T-C. GRCh37 (hg19) VCF-style: chr12-12870894-T-C.
Identifiers: ClinVar variation 307660 (VCV000307660.16), dbSNP rs758843248, ClinGen allele CA6457384.
Genomic context (GRCh38, chr12:12,717,960, plus strand): 5'-GCGGAGCACCCCAAGCCCTCGGCCTGCAGGAACCTCTTCGGCCCGGTGGACCACGAAGAG[T>C]TAACCCGGGACTTGGAGAAGCACTGCAGAGACATGGAAGAGGCGAGCCAGCGCAAGTGGA-3'
Protein context (NP_004055.1, residues 31-51): NLFGPVDHEE[Leu41=]TRDLEKHCRD

ClinVar aggregate classification (germline): Likely benign. Review status: criteria provided, multiple submitters, no conflicts (2 of 4 stars). 3 submissions from 3 submitters: Likely benign (3). Last evaluated 2025-11-23.

Conditions:
Multiple endocrine neoplasia type 4. Also called: MULTIPLE ENDOCRINE NEOPLASIA, TYPE IV. Identifiers: Orphanet 276152, MedGen C1970712, MONDO:0012552, OMIM 610755.
Hereditary cancer-predisposing syndrome. Also called: Neoplastic Syndromes, Hereditary; Tumor predisposition; Hereditary Cancer Syndrome; Hereditary neoplastic syndrome. Identifiers: Orphanet 140162, MedGen C0027672, MeSH D009386, MONDO:0015356.

Allele frequency attached by ClinVar (database versions not stated): gnomAD exomes below 0.00001; TOPMed below 0.00001; gnomAD 0.00001; ExAC 0.00002.
gnomAD v4.1: 1 of 1,613,518 alleles (0.000062%); highest among the groups gnomAD compares: Non-Finnish European, 0.000085%; no homozygotes.

Submissions (3):

Labcorp Genetics (formerly Invitae), Labcorp
Classification: Likely benign for Multiple endocrine neoplasia type 4. Last evaluated: 2025-11-23. Review status: criteria provided, single submitter. Criteria: Invitae Variant Classification Sherloc (09022015). Collection method: clinical testing. Allele origin: germline.

Ambry Genetics
Classification: Likely benign for Hereditary cancer-predisposing syndrome. Last evaluated: 2019-09-03. Review status: criteria provided, single submitter. Criteria: Ambry Variant Classification Scheme 2023. Collection method: clinical testing. Allele origin: germline.

Illumina Laboratory Services, Illumina
Classification: Likely benign for Multiple endocrine neoplasia type 4. Last evaluated: 2018-01-13. Review status: criteria provided, single submitter. Criteria: ICSL Variant Classification Criteria 13 December 2019. Collection method: clinical testing. Allele origin: germline.
Comment: This variant was observed in the ICSL laboratory as part of a predisposition screen in an ostensibly healthy population. It had not been previously curated by ICSL or reported in the Human Gene Mutation Database (HGMD: prior to June 1st, 2018), and was therefore a candidate for classification through an automated scoring system. Utilizing variant allele frequency, disease prevalence and penetrance estimates, and inheritance mode, an automated score was calculated to assess if this variant is too frequent to cause the disease. Based on the score and internal cut-off values, a variant classified as likely benign is not then subjected to further curation. The score for this variant resulted in a classification of likely benign for this disease.